The following is an entry in ClinVar:

NM_005121.3(MED13):c.2801C>T (p.Pro934Leu)

Gene: MED13 (mediator complex subunit 13; minus strand). Cytogenetic location: 17q23.2.
Variant type: single nucleotide variant.
Coding change: c.2801C>T on transcript NM_005121.3 (MANE Select); coding-DNA position 2801, C replaced by T.
Protein change: p.Pro934Leu; replaces proline 934 with leucine.
Molecular consequence: missense variant.
Genome position (GRCh38, 1-based): chr17:61,984,258, G>A on the plus strand (C>T on the coding strand, the complement: MED13 is on the minus strand). VCF-style: chr17-61984258-G-A. GRCh37 (hg19) VCF-style: chr17-60061619-G-A.
Other names: short protein forms P934L.
Identifiers: ClinVar variation 2630554 (VCV002630554.2), dbSNP rs763701650, ClinGen allele CA8692758.

ClinVar aggregate classification (germline): Uncertain significance (0 of 4 stars; one submission).

Conditions:
MED13-related disorder. Also called: MED13-related condition.

Allele frequency attached by ClinVar (database versions not stated): ExAC 0.00002.
gnomAD v4.1: 1 of 1,611,816 alleles (0.000062%); highest among the groups gnomAD compares: East Asian, 0.0022%; no homozygotes.

Submission:

PreventionGenetics, part of Exact Sciences
Classification: Uncertain significance for MED13-related condition. Last evaluated: 2024-09-24. Review status: no assertion criteria provided. Collection method: clinical testing. Allele origin: germline.
Comment: The MED13 c.2801C>T variant is predicted to result in the amino acid substitution p.Pro934Leu. To our knowledge, this variant has not been reported in the literature. This variant is reported in 0.011% of alleles in individuals of East Asian descent in gnomAD. At this time, the clinical significance of this variant is uncertain due to the absence of conclusive functional and genetic evidence.